The following is an entry in ClinVar:

ClinVar aggregate classification (germline): Benign/Likely benign. Review status: criteria provided, multiple submitters, no conflicts (2 of 4 stars). 6 submissions from 6 submitters: Benign (2); Likely benign (2). 2 of the submissions do not count toward it. Last evaluated 2026-05-12.

Conditions:
Thyroid dyshormonogenesis 6 (TDH6). Also called: THYROID HORMONOGENESIS, GENETIC DEFECT IN, 6; HYPOTHYROIDISM, CONGENITAL, DUE TO DYSHORMONOGENESIS, 6; Genetic transient congenital hypothyroidism. Identifiers: Orphanet 226316, Orphanet 95716, MedGen C1846632, MONDO:0011792, OMIM 607200.

Allele frequency attached by ClinVar (database versions not stated): ExAC 0.00294; 1000 Genomes Project 30x 0.00734; 1000 Genomes Project 0.00779; TOPMed 0.00213; gnomAD 0.00124 and 0.00164; gnomAD exomes 0.00306.
gnomAD v4.1: 2,136 of 1,613,144 alleles (0.13%); highest among the groups gnomAD compares: East Asian, 4.1%; 44 homozygotes.

Submissions (6):

Women's Health and Genetics/Laboratory Corporation of America, LabCorp
Classification: Benign. Last evaluated: 2026-05-12. Review status: criteria provided, single submitter. Criteria: LabCorp Variant Classification Summary - May 2015. Collection method: clinical testing. Allele origin: germline.

Labcorp Genetics (formerly Invitae), Labcorp
Classification: Benign. Last evaluated: 2026-02-02. Review status: criteria provided, single submitter. Criteria: Invitae Variant Classification Sherloc (09022015). Collection method: clinical testing. Allele origin: germline.

Illumina Laboratory Services, Illumina
Classification: Likely benign for Thyroid dyshormonogenesis 6. Last evaluated: 2018-01-12. Review status: criteria provided, single submitter. Criteria: ICSL Variant Classification Criteria 13 December 2019. Collection method: clinical testing. Allele origin: germline.
Comment: This variant was observed in the ICSL laboratory as part of a predisposition screen in an ostensibly healthy population. It had not been previously curated by ICSL or reported in the Human Gene Mutation Database (HGMD: prior to June 1st, 2018), and was therefore a candidate for classification through an automated scoring system. Utilizing variant allele frequency, disease prevalence and penetrance estimates, and inheritance mode, an automated score was calculated to assess if this variant is too frequent to cause the disease. Based on the score and internal cut-off values, a variant classified as likely benign is not then subjected to further curation. The score for this variant resulted in a classification of likely benign for this disease.

Breakthrough Genomics
Classification: Likely benign. Review status: criteria provided, single submitter. Criteria: ACMG Guidelines, 2015. Collection method: not provided. Allele origin: germline. Inheritance: Autosomal recessive inheritance. Affected: yes.

Clinical Genetics DNA and cytogenetics Diagnostics Lab, Erasmus MC, Erasmus Medical Center
Classification: Benign. Review status: no assertion criteria provided. Collection method: clinical testing. Allele origin: germline. Affected: yes. Study: VKGL Data-share Consensus. Not counted in ClinVar's aggregate classification.

Clinical Genetics, Academic Medical Center
Classification: Benign. Review status: no assertion criteria provided. Collection method: clinical testing. Allele origin: germline. Affected: yes. Study: VKGL Data-share Consensus. Not counted in ClinVar's aggregate classification.

NM_001363711.2(DUOX2):c.303C>A (p.Arg101=)

Gene: DUOX2 (dual oxidase 2; minus strand). Cytogenetic location: 15q21.1.
Variant type: single nucleotide variant.
Coding change: c.303C>A on transcript NM_001363711.2 (MANE Select); coding-DNA position 303, C replaced by A.
Protein change: p.Arg101=; no amino-acid change (arginine 101 retained).
Molecular consequence: synonymous variant.
Genome position (GRCh38, 1-based): chr15:45,112,576, G>T on the plus strand (C>A on the coding strand, the complement: DUOX2 is on the minus strand). VCF-style: chr15-45112576-G-T. GRCh37 (hg19) VCF-style: chr15-45404774-G-T.
Other names: c.303C>A, p.Arg101= (NM_014080.5).
Identifiers: ClinVar variation 773048 (VCV000773048.19), dbSNP rs117041393, ClinGen allele CA7539036.